The following is an entry in ClinVar:

ClinVar aggregate classification (germline): Uncertain significance. Review status: criteria provided, multiple submitters, no conflicts (2 of 4 stars). 2 submissions from 2 submitters: Uncertain significance (2). Last evaluated 2025-01-17.

Conditions:
Hereditary cancer-predisposing syndrome. Also called: Hereditary neoplastic syndrome; Hereditary Cancer Syndrome; Tumor predisposition; Neoplastic Syndromes, Hereditary. Identifiers: Orphanet 140162, MedGen C0027672, MeSH D009386, MONDO:0015356.
Hereditary pheochromocytoma and paraganglioma. Also called: Hereditary pheochromocytoma-paraganglioma; Hereditary Paraganglioma-Pheochromocytoma Syndromes; Hereditary paragangliomas and pheochromocytomas. Identifiers: Orphanet 29072, MedGen C4274332, MONDO:0017366.

Submissions (2):

Ambry Genetics
Classification: Uncertain significance for Hereditary cancer-predisposing syndrome. Last evaluated: 2025-01-17. Review status: criteria provided, single submitter. Criteria: Ambry Variant Classification Scheme 2023. Collection method: clinical testing. Allele origin: germline.
Comment: The p.S129G variant (also known as c.385A>G), located in coding exon 5 of the MAX gene, results from an A to G substitution at nucleotide position 385. The serine at codon 129 is replaced by glycine, an amino acid with similar properties. This amino acid position is not well conserved in available vertebrate species. In addition, this alteration is predicted to be tolerated by in silico analysis. Since supporting evidence is limited at this time, the clinical significance of this alteration remains unclear.

Labcorp Genetics (formerly Invitae), Labcorp
Classification: Uncertain significance for Hereditary pheochromocytoma and paraganglioma. Last evaluated: 2022-02-18. Review status: criteria provided, single submitter. Criteria: Invitae Variant Classification Sherloc (09022015). Collection method: clinical testing. Allele origin: germline.
Comment: In summary, the available evidence is currently insufficient to determine the role of this variant in disease. Therefore, it has been classified as a Variant of Uncertain Significance. Algorithms developed to predict the effect of missense changes on protein structure and function output the following: SIFT: "Tolerated"; PolyPhen-2: "Benign"; Align-GVGD: "Class C0". The glycine amino acid residue is found in multiple mammalian species, which suggests that this missense change does not adversely affect protein function. ClinVar contains an entry for this variant (Variation ID: 1021025). This variant has not been reported in the literature in individuals affected with MAX-related conditions. This variant is not present in population databases (gnomAD no frequency). This sequence change replaces serine, which is neutral and polar, with glycine, which is neutral and non-polar, at codon 129 of the MAX protein (p.Ser129Gly).

NM_002382.5(MAX):c.385A>G (p.Ser129Gly)

Gene: MAX (MYC associated transcriptional regulator X; minus strand). Cytogenetic location: 14q23.3.
Variant type: single nucleotide variant.
Coding change: c.385A>G on transcript NM_002382.5 (MANE Select); coding-DNA position 385, A replaced by G.
Protein change: p.Ser129Gly; replaces serine 129 with glycine.
Molecular consequence: missense variant. On other transcripts: 3 prime UTR variant (1), intron variant (2).
Genome position (GRCh38, 1-based): chr14:65,076,574, T>C on the plus strand (A>G on the coding strand, the complement: MAX is on the minus strand). VCF-style: chr14-65076574-T-C. GRCh37 (hg19) VCF-style: chr14-65543292-T-C.
Other names: c.196A>G, p.Ser66Gly (NM_001320415.2, NM_001407105.1, NM_001407106.1 and 1 more transcripts); c.385A>G, p.Ser129Gly (NM_001407094.1); c.358A>G, p.Ser120Gly (NM_001407095.1, NM_145112.3); c.*158A>G (NM_001407096.1, NM_001407099.1, NM_001407102.1 and 2 more transcripts); c.*174A>G (NM_001407097.1, NM_001407100.1, NM_001407101.1 and 4 more transcripts); c.277A>G, p.Ser93Gly (NM_001407098.1); c.184A>G, p.Ser62Gly (NM_001407111.1, NM_001407112.1); c.144+17134A>G (NM_001271069.2); and 1 more; short protein forms S120G, S129G, S66G, S62G, S93G.
Identifiers: ClinVar variation 1021025 (VCV001021025.10), dbSNP rs2063062255, ClinGen allele CA390031666.
Genomic context (GRCh38, chr14:65,076,574, plus strand): 5'-GCTCTTCAGGCTCAGACTCCGAGCTGGAGTCCGAGCCCCCATCGAAGGCAGAGATGGTGC[T>C]GCCCTTGGCGTTGGTGTAGAGGCTGTTGTCTGAGGAGGGGTAGTTGGTCTGCAGTTGGGC-3'
Protein context (NP_002373.3, residues 119-139): DNSLYTNAKG[Ser129Gly]TISAFDGGSD